The following is an entry in ClinVar:

NM_001267550.2(TTN):c.25922-1G>C

Gene: TTN (titin; minus strand). Cytogenetic location: 2q31.2.
Variant type: single nucleotide variant.
Coding change: c.25922-1G>C on transcript NM_001267550.2 (MANE Select); the canonical splice acceptor site of the intron before coding-DNA position 25922, G replaced by C.
Molecular consequence: splice acceptor variant. On other transcripts: intron variant (3).
Genome position (GRCh38, 1-based): chr2:178,715,265, C>G on the plus strand (G>C on the coding strand, the complement: TTN is on the minus strand). VCF-style: chr2-178715265-C-G. GRCh37 (hg19) VCF-style: chr2-179579992-C-G.
Other names: c.13282+22817G>C (NM_003319.4); c.13858+22817G>C (NM_133437.4); c.13657+22817G>C (NM_133432.3); c.22190-1G>C (NM_133378.4); c.24971-1G>C (NM_001256850.1).
Identifiers: ClinVar variation 1678120 (VCV001678120.6), dbSNP rs2154297723, ClinGen allele CA349477060.

ClinVar aggregate classification (germline): Likely pathogenic. Review status: criteria provided, multiple submitters, no conflicts (2 of 4 stars). 2 submissions from 2 submitters: Likely pathogenic (2). Last evaluated 2024-11-04.

Conditions:
Dilated cardiomyopathy 1G (CMD1G). Identifiers: Orphanet 154, MedGen C1858763, MONDO:0011400, OMIM 604145.
Autosomal recessive limb-girdle muscular dystrophy type 2J (LGMDR10). Also called: Limb-girdle muscular dystrophy, type 2J; MUSCULAR DYSTROPHY, LIMB-GIRDLE, AUTOSOMAL RECESSIVE 10. Identifiers: Orphanet 140922, MedGen C1837342, MONDO:0012127, OMIM 608807.

gnomAD v4.1: 2 of 1,590,714 alleles (0.00013%); highest among the groups gnomAD compares: Non-Finnish European, 0.00017%; no homozygotes.

Submissions (2):

Labcorp Genetics (formerly Invitae), Labcorp
Classification: Likely pathogenic for Dilated cardiomyopathy 1G; Autosomal recessive limb-girdle muscular dystrophy type 2J. Last evaluated: 2024-11-04. Review status: criteria provided, single submitter. Criteria: Invitae Variant Classification Sherloc (09022015). Collection method: clinical testing. Allele origin: germline.
Comment: This sequence change affects an acceptor splice site in intron 89 of the TTN gene. It is expected to disrupt RNA splicing and likely results in a truncated or disrupted TTN protein. This variant is not present in population databases (gnomAD no frequency). This variant has not been reported in the literature in individuals affected with TTN-related conditions. ClinVar contains an entry for this variant (Variation ID: 1678120). Algorithms developed to predict the effect of sequence changes on RNA splicing suggest that this variant may disrupt the consensus splice site. This variant is located in the I band of TTN (PMID: 25589632). Truncating variants in this region have been reported in individuals affected with autosomal recessive centronuclear myopathy (PMID: 23975875, internal data). Truncating variants in this region have also been identified in individuals affected with autosomal dominant dilated cardiomyopathy and/or cardio-related conditions (PMID: 27869827, 32964742, internal data). In summary, the currently available evidence indicates that the variant is pathogenic, but additional data are needed to prove that conclusively. Therefore, this variant has been classified as Likely Pathogenic.

AiLife Diagnostics
Classification: Likely pathogenic. Last evaluated: 2021-10-20. Review status: criteria provided, single submitter. Criteria: ACMG Guidelines, 2015. Collection method: clinical testing. Allele origin: germline. Affected: yes. Observed: 1 variant allele.

Literature cited by the submitters: PubMed 25589632 (cited by Labcorp Genetics (formerly Invitae), Labcorp); PubMed 23975875 (cited by Labcorp Genetics (formerly Invitae), Labcorp); PubMed 27869827 (cited by Labcorp Genetics (formerly Invitae), Labcorp); PubMed 32964742 (cited by Labcorp Genetics (formerly Invitae), Labcorp).